The following is an entry in ClinVar:

ClinVar aggregate classification (germline): Uncertain significance. Review status: criteria provided, multiple submitters, no conflicts (2 of 4 stars). 2 submissions from 2 submitters: Uncertain significance (2). Last evaluated 2025-10-08.

Allele frequency attached by ClinVar (database versions not stated): gnomAD exomes 0.00006 and 0.00003; ExAC 0.00017; gnomAD 0.00029 and 0.00033; TOPMed 0.00032.

Submissions (2):

Labcorp Genetics (formerly Invitae), Labcorp
Classification: Uncertain significance. Last evaluated: 2025-10-08. Review status: criteria provided, single submitter. Criteria: Invitae Variant Classification Sherloc (09022015). Collection method: clinical testing. Allele origin: germline.
Comment: This sequence change replaces arginine, which is basic and polar, with glycine, which is neutral and non-polar, at codon 204 of the TNFRSF6B protein (p.Arg204Gly). This variant is present in population databases (rs774897546, gnomAD 0.1%), and has an allele count higher than expected for a pathogenic variant. This variant has not been reported in the literature in individuals affected with TNFRSF6B-related conditions. ClinVar contains an entry for this variant (Variation ID: 1431810). An algorithm developed to predict the effect of missense changes on protein structure and function outputs the following: PolyPhen-2: "Benign". The glycine amino acid residue is found in multiple mammalian species, which suggests that this missense change does not adversely affect protein function. In summary, the available evidence is currently insufficient to determine the role of this variant in disease. Therefore, it has been classified as a Variant of Uncertain Significance.

Ambry Genetics
Classification: Uncertain significance. Last evaluated: 2025-06-06. Review status: criteria provided, single submitter. Criteria: Ambry Variant Classification Scheme 2023. Collection method: clinical testing. Allele origin: germline.

NM_003823.4(TNFRSF6B):c.610A>G (p.Arg204Gly)

Genes: RTEL1-TNFRSF6B (RTEL1-TNFRSF6B readthrough (NMD candidate); plus strand), TNFRSF6B (TNF receptor superfamily member 6b; plus strand). Cytogenetic location: 20q13.33.
Variant type: single nucleotide variant.
Coding change: c.610A>G on transcript NM_003823.4 (MANE Select); coding-DNA position 610, A replaced by G.
Protein change: p.Arg204Gly; replaces arginine 204 with glycine.
Molecular consequence: missense variant. On other transcripts: non-coding transcript variant (1).
Genome position (GRCh38, 1-based): chr20:63,697,513, A>G. VCF-style: chr20-63697513-A-G. GRCh37 (hg19) VCF-style: chr20-62328866-A-G.
Other names: c.610A>G (NM_003823.3); short protein forms R204G.
Identifiers: ClinVar variation 1431810 (VCV001431810.10), dbSNP rs774897546, ClinGen allele CA9966512.
Genomic context (GRCh38, chr20:63,697,513, plus strand): 5'-CCAGGCTCTTCCTCCCATGACACCCTGTGCACCAGCTGCACTGGCTTCCCCCTCAGCACC[A>G]GGGTACCAGGTGAGCCAGAGGCCTGAGGGGGCAGCACACTGCAGGCCAGGCCCACTTGTG-3'
Protein context (NP_003814.1, residues 194-214): TSCTGFPLST[Arg204Gly]VPGAEECERA